The following is an entry in ClinVar:

ClinVar aggregate classification (germline): Pathogenic. Review status: criteria provided, multiple submitters, no conflicts (2 of 4 stars). 4 submissions from 4 submitters: Pathogenic (4). Last evaluated 2025-10-14.

Conditions:
Choroideremia. Also called: Chorioretinal scalloped atrophy. Identifiers: Orphanet 180, MedGen C0008525, MONDO:0010557, OMIM 303100, HP:0001139.
CHM-related disorders.

gnomAD v4.1: 1 of 1,205,890 alleles (0.000083%); highest among the groups gnomAD compares: Non-Finnish European, 0.00011%; no homozygotes.

Submissions (4):

Labcorp Genetics (formerly Invitae), Labcorp
Classification: Pathogenic. Last evaluated: 2025-10-14. Review status: criteria provided, single submitter. Criteria: Invitae Variant Classification Sherloc (09022015). Collection method: clinical testing. Allele origin: germline.
Comment: This sequence change creates a premature translational stop signal (p.Arg555*) in the CHM gene. It is expected to result in an absent or disrupted protein product. Loss-of-function variants in CHM are known to be pathogenic (PMID: 9067750, 23811034). This variant is not present in population databases (gnomAD no frequency). This premature translational stop signal has been observed in individual(s) with choroideremia (PMID: 9196401). It has also been observed to segregate with disease in related individuals. ClinVar contains an entry for this variant (Variation ID: 1073117). For these reasons, this variant has been classified as Pathogenic.

Myriad Genetics, Inc.
Classification: Pathogenic for Choroideremia. Last evaluated: 2025-05-22. Review status: criteria provided, single submitter. Criteria: Myriad Autosomal Dominant, Autosomal Recessive and X-Linked Classification Criteria (2023). Collection method: clinical testing. Allele origin: unknown.
Comment: NM_000390.2(CHM):c.1663A>T(R555*) is a nonsense variant classified as pathogenic in the context of X-linked choroideremia. R555* has been observed in a case with relevant disease (PMID: 9196401). Relevant functional assessments of this variant are not available in the literature. R555* has not been observed in referenced population frequency databases. In summary, NM_000390.2(CHM):c.1663A>T(R555*) is a nonsense variant in a gene where loss of function is a known mechanism of disease, is predicted to disrupt protein function, and has been observed more frequently in cases with the relevant disease than in healthy populations. Please note: this variant was assessed in the context of healthy population screening.

GeneDx
Classification: Pathogenic. Last evaluated: 2025-01-10. Review status: criteria provided, single submitter. Criteria: GeneDx Variant Classification Process June 2021. Collection method: clinical testing. Allele origin: germline. Affected: yes.
Comment: Nonsense variant predicted to result in protein truncation or nonsense mediated decay in a gene for which loss of function is a known mechanism of disease; Not observed in large population cohorts (gnomAD); This variant is associated with the following publications: (PMID: 9196401, 33538369)

Blueprint Genetics
Classification: Pathogenic for CHM-related disorders. Last evaluated: 2022-05-06. Review status: criteria provided, single submitter. Criteria: ACMG Guidelines, 2015. Collection method: clinical testing. Allele origin: germline. Affected: yes. Observed: 1 variant allele.

Literature cited by the submitters: PubMed 9067750 (cited by Labcorp Genetics (formerly Invitae), Labcorp); PubMed 23811034 (cited by Labcorp Genetics (formerly Invitae), Labcorp); PubMed 9196401 (cited by Labcorp Genetics (formerly Invitae), Labcorp and Myriad Genetics, Inc.).

NM_000390.4(CHM):c.1663A>T (p.Arg555Ter)

Gene: CHM (CHM Rab escort protein; minus strand). Cytogenetic location: Xq21.2.
Variant type: single nucleotide variant.
Coding change: c.1663A>T on transcript NM_000390.4 (MANE Select); coding-DNA position 1663, A replaced by T.
Protein change: p.Arg555Ter; replaces arginine 555 with a stop codon.
Molecular consequence: nonsense.
Genome position (GRCh38, 1-based): chrX:85,873,159, T>A on the plus strand (A>T on the coding strand, the complement: CHM is on the minus strand). VCF-style: chrX-85873159-T-A. GRCh37 (hg19) VCF-style: chrX-85128164-T-A.
Other names: c.1219A>T, p.Arg407Ter (NM_001320959.1, NM_001362517.1, NM_001362518.2 and 1 more transcripts); c.1663A>T (NM_000390.2); short protein forms R407*, R555*.
Identifiers: ClinVar variation 1073117 (VCV001073117.12), dbSNP rs2148120604, ClinGen allele CA413786802.